The following is an entry in ClinVar:

NM_001379200.1(TBX1):c.1122_1144del (p.Val377fs)

Gene: TBX1 (T-box transcription factor 1; plus strand). Cytogenetic location: 22q11.21.
Variant type: Deletion.
Coding change: c.1122_1144del on transcript NM_001379200.1 (MANE Select); coding-DNA positions 1122 to 1144, 23 bases deleted (GGCCCGGGTGCTAAGCCCCTCGC).
Protein change: p.Val377fs; shifts the reading frame from valine 377.
Molecular consequence: frameshift variant. On other transcripts: intron variant (2).
Genome position (GRCh38, 1-based): chr22:19,766,474-19,766,496, GGCCCGGGTGCTAAGCCCCTCGC deleted. VCF-style (leftmost placement, unchanged base first): chr22-19766473-TGGCCCGGGTGCTAAGCCCCTCGC-T. GRCh37 (hg19) VCF-style: chr22-19753996-TGGCCCGGGTGCTAAGCCCCTCGC-T.
Other names: c.1095_1117del, p.Val368fs (NM_080647.1); c.1009+472_1009+494del (NM_005992.1, NM_080646.2); short protein forms V368fs, V377fs.
Identifiers: ClinVar variation 4729263 (VCV004729263.1).

ClinVar aggregate classification (germline): Pathogenic (1 of 4 stars; one submission).

Conditions:
DiGeorge syndrome. Also called: THIRD AND FOURTH PHARYNGEAL POUCH SYNDROME; Catch22. Identifiers: Orphanet 567, MedGen C0012236, MONDO:0008564, OMIM 188400.

Submission:

Labcorp Genetics (formerly Invitae), Labcorp
Classification: Pathogenic for DiGeorge syndrome. Last evaluated: 2025-10-15. Review status: criteria provided, single submitter. Criteria: Invitae Variant Classification Sherloc (09022015). Collection method: clinical testing. Allele origin: germline.
Comment: This sequence change is expected to alter the c-terminus of the TBX1 protein (p.Val368Glyfs*241). While this is not anticipated to result in nonsense mediated decay, it is expected to disrupt the last 128 amino acid(s) of the TBX1 protein and extend the protein by 112 additional amino acid residues. This variant is not present in population databases (gnomAD no frequency). This variant has not been reported in the literature in individuals affected with TBX1-related conditions. This variant disrupts a region of the TBX1 protein in which other variant(s) (p.Tyr418Phefs*42) have been determined to be pathogenic (PMID: 24637876). This suggests that this is a clinically significant region of the protein, and that variants that disrupt it are likely to be disease-causing. For these reasons, this variant has been classified as Pathogenic.

Literature cited by the submitters: PubMed 24637876.